The following is an entry in ClinVar:

NM_001018005.2(TPM1):c.712C>T (p.Arg238Trp)

Gene: TPM1 (tropomyosin 1; plus strand). Cytogenetic location: 15q22.2.
Variant type: single nucleotide variant.
Coding change: c.712C>T on transcript NM_001018005.2 (MANE Select); coding-DNA position 712, C replaced by T.
Protein change: p.Arg238Trp; replaces arginine 238 with tryptophan.
Molecular consequence: missense variant.
Genome position (GRCh38, 1-based): chr15:63,062,585, C>T. VCF-style: chr15-63062585-C-T. GRCh37 (hg19) VCF-style: chr15-63354784-C-T.
Other names: p.R238W:CGG>TGG; c.712C>T, p.Arg238Trp (NM_000366.6, NM_001018004.2, NM_001018006.2 and 6 more transcripts); c.604C>T, p.Arg202Trp (NM_001018008.2, NM_001301289.2, NM_001330344.2 and 5 more transcripts); c.838C>T, p.Arg280Trp (NM_001365778.1); short protein forms R238W, R202W, R280W.
Identifiers: ClinVar variation 43436 (VCV000043436.6), dbSNP rs397516386, ClinGen allele CA018292.
Genomic context (GRCh38, chr15:63,062,585, plus strand): 5'-GCTACAGGAAACATAAAACTTCCCAACTTTAACTCAAATAAATCATTACAGGCTGAGACT[C>T]GGGCTGAGTTTGCGGAGAGGTCAGTAACTAAATTGGAGAAAAGCATTGATGACTTAGAAG-3'
Protein context (NP_001018005.1, residues 228-248): LSDKLKEAET[Arg238Trp]AEFAERSVTK

ClinVar aggregate classification (germline): Conflicting classifications of pathogenicity. Review status: criteria provided, conflicting classifications (1 of 4 stars). 3 submissions from 3 submitters: Likely pathogenic (1); Uncertain significance (1). 1 of the submissions does not count toward it. Last evaluated 2014-07-15.

Conditions:
Cardiomyopathy (CMYO). Also called: Cardiomyopathies. Identifiers: Orphanet 167848, MedGen C0878544, MONDO:0004994, HP:0001638. Inheritance: Various modes of inheritance.

Submissions (3):

GeneDx
Classification: Likely pathogenic for Cardiomyopathy. Last evaluated: 2014-07-15. Review status: criteria provided, single submitter. Criteria: GeneDx Variant Classification (06012015). Collection method: clinical testing. Allele origin: germline. Affected: yes.
Comment: The R238W variant in the TPM1 gene has been reported as a "pathogenic variant" in a publication investigating the technical sensitivity of a mutation detection assay. Clinical information associated with R238W was not included in this publication (Zimmerman R et al., 2010). R238W is a non-conservative amino acid substitution as these residues differ in polarity, charge, size and/or other properties and is more likely to impact secondary structure. The R238 residue is conserved across species. Mutations in nearby residues (D230N, A239T) have been reported in association with DCM, further supporting the functional importance of this region of the protein. Furthermore, R238W was not observed in approximately 6,500 individuals of European and African American ancestry in the NHLBI Exome Sequencing Project, indicating it is not a common benign variant in these populations. Therefore, this variant is a strong candidate for a pathogenic mutation, however the possibility that it is a benign variant cannot be excluded. The variant is found in CARDIOMYOPATHY panel(s).

Stanford Center for Inherited Cardiovascular Disease, Stanford University
Classification: Uncertain significance. Last evaluated: 2013-05-27. Review status: criteria provided, single submitter. Criteria: ACMG Guidelines, 2015. Collection method: provider interpretation. Allele origin: germline.

Laboratory for Molecular Medicine, Mass General Brigham Personalized Medicine
Classification: Uncertain significance. Last evaluated: 2008-03-01. Review status: no assertion criteria provided. Collection method: clinical testing. Allele origin: germline. Observed: 1 variant allele. Not counted in ClinVar's aggregate classification.